The following is an entry in ClinVar:

ClinVar aggregate classification (germline): Likely pathogenic (1 of 4 stars; one submission).

Conditions:
Martsolf syndrome 1. Identifiers: Orphanet 1387, MedGen C5542298, MONDO:8000008, OMIM 212720.
Warburg micro syndrome 2 (WARBM2). Also called: MICRO SYNDROME 2. Identifiers: Orphanet 2510, MedGen C3280214, MONDO:0013641, OMIM 614225.

Submission:

Juno Genomics, Hangzhou Juno Genomics, Inc
Classification: Likely pathogenic for Warburg micro syndrome 2; Martsolf syndrome 1. Review status: criteria provided, single submitter. Criteria: ACMG Guidelines, 2015. Collection method: clinical testing. Allele origin: germline.
Comment: Null variant in a gene where loss of function (LOF) is a known mechanism of disease.;Absent from controls (or at extremely low frequency if recessive) in Genome Aggregation Database.

NM_012414.4(RAB3GAP2):c.3329T>G (p.Leu1110Ter)

Gene: RAB3GAP2 (RAB3 GTPase activating non-catalytic protein subunit 2; minus strand). Cytogenetic location: 1q41.
Variant type: single nucleotide variant.
Coding change: c.3329T>G on transcript NM_012414.4 (MANE Select); coding-DNA position 3329, T replaced by G.
Protein change: p.Leu1110Ter; replaces leucine 1110 with a stop codon.
Molecular consequence: nonsense.
Genome position (GRCh38, 1-based): chr1:220,157,809, A>C on the plus strand (T>G on the coding strand, the complement: RAB3GAP2 is on the minus strand). VCF-style: chr1-220157809-A-C. GRCh37 (hg19) VCF-style: chr1-220331151-A-C.
Other names: short protein forms L1110*.
Identifiers: ClinVar variation 5006118 (VCV005006118.2).
Genomic context (GRCh38, chr1:220,157,809, plus strand): 5'-AGAATATGTAATATCTTAGGAGCAGTTCAGAATGAAAAATACACCTCTTTTACCTCCATT[A>C]AGATCTGAAGAAGATCCAAACAGGAGCCGAGGAAAGATGTCATTGCTGTGTCACTCATTC-3'